The following is an entry in ClinVar:

ClinVar aggregate classification (germline): Likely benign. Review status: criteria provided, multiple submitters, no conflicts (2 of 4 stars). 2 submissions from 2 submitters: Likely benign (2). Last evaluated 2018-06-14.

Allele frequency attached by ClinVar (database versions not stated): gnomAD 0.01806; TOPMed 0.02484; gnomAD exomes 0.02490; 1000 Genomes Project 30x 0.03748; 1000 Genomes Project 0.03794.
gnomAD v4.1: 18,891 of 773,670 alleles (2.4%); highest among the groups gnomAD compares: Admixed American, 12%; 662 homozygotes.

Submissions (2):

GeneDx
Classification: Likely benign. Last evaluated: 2018-06-14. Review status: criteria provided, single submitter. Criteria: GeneDx Variant Classification (06012015). Collection method: clinical testing. Allele origin: germline. Affected: yes.
Comment: This variant is considered likely benign or benign based on one or more of the following criteria: it is a conservative change, it occurs at a poorly conserved position in the protein, it is predicted to be benign by multiple in silico algorithms, and/or has population frequency not consistent with disease.

Breakthrough Genomics
Classification: Likely benign. Review status: criteria provided, single submitter. Criteria: ACMG Guidelines, 2015. Collection method: not provided. Allele origin: germline. Inheritance: Autosomal recessive inheritance. Affected: yes.

NM_000722.4(CACNA2D1):c.96-127G>A

Gene: CACNA2D1 (calcium voltage-gated channel auxiliary subunit alpha2delta 1; minus strand). Cytogenetic location: 7q21.11.
Variant type: single nucleotide variant.
Coding change: c.96-127G>A on transcript NM_000722.4 (MANE Select); 127 bases into the intron before coding-DNA position 96, G replaced by A.
Molecular consequence: intron variant.
Genome position (GRCh38, 1-based): chr7:82,349,776, C>T on the plus strand (G>A on the coding strand, the complement: CACNA2D1 is on the minus strand). VCF-style: chr7-82349776-C-T. GRCh37 (hg19) VCF-style: chr7-81979092-C-T.
Other names: c.96-127G>A (NM_001366867.1, NM_001302890.2).
Identifiers: ClinVar variation 678565 (VCV000678565.2), dbSNP rs79443574, ClinGen allele CA161638665.